The following is an entry in ClinVar:

ClinVar aggregate classification (germline): Likely pathogenic (1 of 4 stars; one submission).

Conditions:
Hereditary cancer-predisposing syndrome. Also called: Neoplastic Syndromes, Hereditary; Tumor predisposition; Hereditary Cancer Syndrome; Hereditary neoplastic syndrome. Identifiers: Orphanet 140162, MedGen C0027672, MeSH D009386, MONDO:0015356.

Submission:

Ambry Genetics
Classification: Likely pathogenic for Hereditary cancer-predisposing syndrome. Last evaluated: 2026-05-15. Review status: criteria provided, single submitter. Criteria: Ambry Variant Classification Scheme 2023. Collection method: clinical testing. Allele origin: germline.
Comment: The c.2835-12T>G intronic variant results from a T to G substitution 12 nucleotides upstream from coding exon 9 in the PALB2 gene. This nucleotide position is well conserved in available vertebrate species. In silico splice site analysis predicts that this alteration will weaken the native splice acceptor site and will result in the creation or strengthening of a novel splice acceptor site. RNA studies have demonstrated that this variant results in abnormal splicing in the set of samples tested (Ambry internal data). This variant is considered to be rare based on population cohorts in the Genome Aggregation Database (gnomAD). Based on the majority of available evidence to date, this variant is likely to be pathogenic.

NM_024675.4(PALB2):c.2835-12T>G

Gene: PALB2 (partner and localizer of BRCA2; minus strand). Cytogenetic location: 16p12.2.
Variant type: single nucleotide variant.
Coding change: c.2835-12T>G on transcript NM_024675.4 (MANE Select); 12 bases into the intron before coding-DNA position 2835, T replaced by G.
Molecular consequence: intron variant.
Genome position (GRCh38, 1-based): chr16:23,623,142, A>C on the plus strand (T>G on the coding strand, the complement: PALB2 is on the minus strand). VCF-style: chr16-23623142-A-C. GRCh37 (hg19) VCF-style: chr16-23634463-A-C.
Other names: c.1950-12T>G (NM_001407308.1, NM_001407306.1, NM_001407309.1 and 4 more transcripts); c.369-12T>G (NM_001407314.1); c.1047-12T>G (NM_001407313.1, NM_001407312.1); c.2775-12T>G (NM_001407296.1); c.2763-12T>G (NM_001407297.1); c.2673-12T>G (NM_001407302.1, NM_001407298.1); c.2834+867T>G (NM_001407300.1); c.2835-12T>G (NM_001407299.1, NM_001407301.1); and 1 more.
Identifiers: ClinVar variation 3885206 (VCV003885206.2).